The following is an entry in ClinVar:

ClinVar aggregate classification (germline): Likely pathogenic (1 of 4 stars; one submission).

Conditions:
Menke-Hennekam syndrome 1 (MKHK1). Identifiers: MedGen C5193034, MONDO:0020763, OMIM 618332.

Submission:

Molecular Genetics Department, Kulakov National Medical Research Center for Obstetrics, Gynecology and Perinatology
Classification: Likely pathogenic for Menke-Hennekam syndrome 1. Review status: criteria provided, single submitter. Criteria: ACMG Guidelines, 2015. Collection method: clinical testing. Allele origin: de novo. Affected: yes. Observed: 1 variant allele.
Comment: A previously undescribed heterozygous nucleotide variant creates a premature translation stop signal p.Glu594Ter in the CREBBP gene. Heterozygous variants are reported in patients with Rubinstein-Taybi syndrome 1, 180849. The variant is not present in population database (gnomAD no frequency). Sanger sequencing revealed that the variant arose de novo (parentage confirmed). In summary, the currently available evidence indicates that the variant is pathogenic, but additional data are needed to prove that conclusively. Therefore, this variant has been classified as likely pathogenic.

NM_004380.3(CREBBP):c.1780G>T (p.Glu594Ter)

Gene: CREBBP (CREB binding lysine acetyltransferase; minus strand). Cytogenetic location: 16p13.3.
Variant type: single nucleotide variant.
Coding change: c.1780G>T on transcript NM_004380.3 (MANE Select); coding-DNA position 1780, G replaced by T.
Protein change: p.Glu594Ter; replaces glutamic acid 594 with a stop codon.
Molecular consequence: nonsense.
Genome position (GRCh38, 1-based): chr16:3,780,775, C>A on the plus strand (G>T on the coding strand, the complement: CREBBP is on the minus strand). VCF-style: chr16-3780775-C-A. GRCh37 (hg19) VCF-style: chr16-3830776-C-A.
Other names: c.1666G>T, p.Glu556Ter (NM_001079846.1); short protein forms E556*, E594*.
Identifiers: ClinVar variation 4294502 (VCV004294502.1).
Genomic context (GRCh38, chr16:3,780,775, plus strand): 5'-GCAAAACTGTTACGTACAGTTTATGCACTAGATGGCTCCGCAGGTCCTGAGTGACATGTT[C>A]GTGCCAGCCTTTCCTTACACCGGTGCTAGAAGGAGGAGCTGCTGTTGGTATAGTGCTGAG-3'